The following is an entry in ClinVar:

NM_014363.6(SACS):c.8238_8239dup (p.Ile2747fs)

Gene: SACS (sacsin molecular chaperone; minus strand). Cytogenetic location: 13q12.12.
Variant type: Duplication.
Coding change: c.8238_8239dup on transcript NM_014363.6 (MANE Select); coding-DNA positions 8238 to 8239, 2 bases duplicated (AA; older notation c.8238_8239dupAA).
Protein change: p.Ile2747fs; shifts the reading frame from isoleucine 2747.
Molecular consequence: frameshift variant.
Genome position (GRCh38, 1-based): chr13:23,335,637-23,335,638, TT duplicated on the plus strand (AA on the coding strand, the reverse complement: SACS is on the minus strand); duplicating any 2 consecutive bases within chr13:23,335,637-23,335,642 gives the same sequence; the c. name uses the placement nearest the transcript's 3' end. VCF-style (leftmost placement, unchanged base first): chr13-23335636-A-ATT. GRCh37 (hg19) VCF-style: chr13-23909775-A-ATT.
Other names: c.7797_7798dup, p.Ile2600fs (NM_001278055.2); short protein forms I2600fs, I2747fs.
Identifiers: ClinVar variation 994462 (VCV000994462.4), dbSNP rs779248938, ClinGen allele CA6910803.

ClinVar aggregate classification (germline): Pathogenic/Likely pathogenic. Review status: criteria provided, multiple submitters, no conflicts (2 of 4 stars). 2 submissions from 2 submitters: Pathogenic (1); Likely pathogenic (1). Last evaluated 2023-10-30.

Conditions:
Spastic paraplegia. Identifiers: MedGen C0037772, HP:0001258.

Submissions (2):

Labcorp Genetics (formerly Invitae), Labcorp
Classification: Pathogenic for Spastic paraplegia. Last evaluated: 2023-10-30. Review status: criteria provided, single submitter. Criteria: Invitae Variant Classification Sherloc (09022015). Collection method: clinical testing. Allele origin: germline.
Comment: This sequence change creates a premature translational stop signal (p.Ile2747Lysfs*7) in the SACS gene. While this is not anticipated to result in nonsense mediated decay, it is expected to disrupt the last 1833 amino acid(s) of the SACS protein. This variant is present in population databases (rs779248938, gnomAD 0.0009%). This variant has not been reported in the literature in individuals affected with SACS-related conditions. ClinVar contains an entry for this variant (Variation ID: 994462). This variant disrupts a region of the SACS protein in which other variant(s) (p.Asn4549Asp) have been determined to be pathogenic (PMID: 15156359, 21507954). This suggests that this is a clinically significant region of the protein, and that variants that disrupt it are likely to be disease-causing. For these reasons, this variant has been classified as Pathogenic.

Athena Diagnostics
Classification: Likely pathogenic. Last evaluated: 2019-09-26. Review status: criteria provided, single submitter. Criteria: Athena Diagnostics Criteria. Collection method: clinical testing. Allele origin: unknown.
Comment: The variant results in a shift of the reading frame, and is therefore predicted to result in the loss of a functional protein. The frequency of this variant in the general population is consistent with pathogenicity.

Literature cited by the submitters: PubMed 15156359 (cited by Labcorp Genetics (formerly Invitae), Labcorp); PubMed 21507954 (cited by Labcorp Genetics (formerly Invitae), Labcorp).